The following is an entry in ClinVar:

NM_003183.6(ADAM17):c.2414dup (p.Ala806fs)

Genes: ADAM17 (ADAM metallopeptidase domain 17; minus strand), IAH1 (isoamyl acetate hydrolyzing esterase 1 (putative); plus strand). Cytogenetic location: 2p25.1.
Variant type: Duplication.
Coding change: c.2414dup on transcript NM_003183.6 (MANE Select); coding-DNA position 2414, one base duplicated (A; older notation c.2414dupA).
Protein change: p.Ala806fs; shifts the reading frame from alanine 806.
Molecular consequence: frameshift variant.
Genome position (GRCh38, 1-based): chr2:9,490,238, T duplicated on the plus strand (A on the coding strand, the reverse complement: ADAM17 is on the minus strand); the first of 4 consecutive T bases (chr2:9,490,238-9,490,241); duplicating any one gives the same sequence. VCF-style (leftmost placement, unchanged base first): chr2-9490237-C-CT. GRCh37 (hg19) VCF-style: chr2-9630366-C-CT.
Other names: c.1754dup, p.Ala586fs (NM_001382777.1); c.1517dup, p.Ala507fs (NM_001382778.1); short protein forms A586fs, A507fs, A806fs.
Identifiers: ClinVar variation 1348830 (VCV001348830.8), dbSNP rs2124947833, ClinGen allele CA2573135849.
Genomic context (GRCh38, chr2:9,490,237, plus strand): 5'-TTAGCACTCTGTTTCTTTGCTGTCAACACGATTCTGACGCTGCAGTTTAAAGGAGGCAGC[C>CT]TTTTCACTTCTGGTGACCGGATGGTCCGTGAGATCCTCAAATGACTTGGCAGCTGTGCTG-3'

ClinVar aggregate classification (germline): Uncertain significance (1 of 4 stars; one submission).

Conditions:
Inflammatory skin and bowel disease, neonatal, 1. Identifiers: Orphanet 294023, MedGen C3280501, MONDO:0013693, OMIM 614328.

Submission:

Labcorp Genetics (formerly Invitae), Labcorp
Classification: Uncertain significance for Inflammatory skin and bowel disease, neonatal, 1. Last evaluated: 2025-12-15. Review status: criteria provided, single submitter. Criteria: Invitae Variant Classification Sherloc (09022015). Collection method: clinical testing. Allele origin: germline.
Comment: This sequence change creates a premature translational stop signal (p.Ala806Glyfs*5) in the ADAM17 gene. While this is not anticipated to result in nonsense mediated decay, it is expected to disrupt the last 19 amino acid(s) of the ADAM17 protein. This variant is not present in population databases (gnomAD no frequency). This variant has not been reported in the literature in individuals affected with ADAM17-related conditions. ClinVar contains an entry for this variant (Variation ID: 1348830). Experimental studies and prediction algorithms are not available or were not evaluated, and the functional significance of this variant is currently unknown. In summary, the available evidence is currently insufficient to determine the role of this variant in disease. Therefore, it has been classified as a Variant of Uncertain Significance.